The following is an entry in ClinVar:

ClinVar aggregate classification (germline): Uncertain significance (1 of 4 stars; one submission).

Submission:

Labcorp Genetics (formerly Invitae), Labcorp
Classification: Uncertain significance. Last evaluated: 2023-10-03. Review status: criteria provided, single submitter. Criteria: Invitae Variant Classification Sherloc (09022015). Collection method: clinical testing. Allele origin: germline.
Comment: This sequence change creates a premature translational stop signal (p.Ser93Glnfs*26) in the CYC1 gene. It is expected to result in an absent or disrupted protein product. However, the current clinical and genetic evidence is not sufficient to establish whether loss-of-function variants in CYC1 cause disease. The frequency data for this variant in the population databases is considered unreliable, as metrics indicate poor data quality at this position in the gnomAD database. This variant has not been reported in the literature in individuals affected with CYC1-related conditions. In summary, the available evidence is currently insufficient to determine the role of this variant in disease. Therefore, it has been classified as a Variant of Uncertain Significance.

NM_001916.5(CYC1):c.276dup (p.Ser93fs)

Gene: CYC1 (cytochrome c1; plus strand). Cytogenetic location: 8q24.3.
Variant type: Duplication.
Coding change: c.276dup on transcript NM_001916.5 (MANE Select); coding-DNA position 276, one base duplicated (C; older notation c.276dupC).
Protein change: p.Ser93fs; shifts the reading frame from serine 93.
Molecular consequence: frameshift variant.
Genome position (GRCh38, 1-based): chr8:144,095,979, C duplicated; the last of 7 consecutive C bases (chr8:144,095,973-144,095,979); duplicating any one gives the same sequence. VCF-style (leftmost placement, unchanged base first): chr8-144095972-A-AC. GRCh37 (hg19) VCF-style: chr8-145150875-A-AC.
Other names: short protein forms S93fs.
Identifiers: ClinVar variation 2978033 (VCV002978033.3), dbSNP rs756254049, ClinGen allele CA4933323.